The following is an entry in ClinVar:

NM_001365276.2(TNXB):c.5300A>G (p.Asp1767Gly)

Gene: TNXB (tenascin XB; minus strand). Cytogenetic location: 6p21.33.
Variant type: single nucleotide variant.
Coding change: c.5300A>G on transcript NM_001365276.2 (MANE Select); coding-DNA position 5300, A replaced by G.
Protein change: p.Asp1767Gly; replaces aspartic acid 1767 with glycine.
Molecular consequence: missense variant.
Genome position (GRCh38, 1-based): chr6:32,069,840, T>C on the plus strand (A>G on the coding strand, the complement: TNXB is on the minus strand). VCF-style: chr6-32069840-T-C. GRCh37 (hg19) VCF-style: chr6-32037617-T-C.
Other names: c.5300A>G, p.Asp1767Gly (NM_019105.8); short protein forms D1767G.
Identifiers: ClinVar variation 2451155 (VCV002451155.3), dbSNP rs1485504511, ClinGen allele CA363414094.
Genomic context (GRCh38, chr6:32,069,840, plus strand): 5'-ACGGTGGTCACCTGCAGCTCCTCCCCCAGACGGGGTTTTGGGGGACGCTTTGTTCCAGTA[T>C]CATCCATAGCACTCCGGGCTTCTGAGATGGAGACACGGAGAGGAAACGGCTGAGCTGTTT-3'
Protein context (NP_001352205.1, residues 1757-1777): GTTEARSAMD[Asp1767Gly]TGTKRPPKPR

ClinVar aggregate classification (germline): Uncertain significance. Review status: criteria provided, multiple submitters, no conflicts (2 of 4 stars). 2 submissions from 2 submitters: Uncertain significance (2). Last evaluated 2023-02-14.

Conditions:
Cardiovascular phenotype. Identifiers: MedGen CN230736.

Allele frequency attached by ClinVar (database versions not stated): gnomAD exomes 0.00001.
gnomAD v4.1: 3 of 1,605,840 alleles (0.00019%); highest among the groups gnomAD compares: Non-Finnish European, 0.00026%; no homozygotes.

Submissions (2):

GeneDx
Classification: Uncertain significance. Last evaluated: 2023-02-14. Review status: criteria provided, single submitter. Criteria: GeneDx Variant Classification Process June 2021. Collection method: clinical testing. Allele origin: germline. Affected: yes.
Comment: Has not been previously published as pathogenic or benign to our knowledge; Not observed at significant frequency in large population cohorts (gnomAD); In silico analysis supports that this missense variant has a deleterious effect on protein structure/function

Ambry Genetics
Classification: Uncertain significance for Cardiovascular phenotype. Last evaluated: 2023-01-17. Review status: criteria provided, single submitter. Criteria: Ambry Variant Classification Scheme 2023. Collection method: clinical testing. Allele origin: germline.
Comment: The p.D1767G variant (also known as c.5300A>G), located in coding exon 14 of the TNXB gene, results from an A to G substitution at nucleotide position 5300. The aspartic acid at codon 1767 is replaced by glycine, an amino acid with similar properties. This amino acid position is conserved. In addition, this alteration is predicted to be tolerated by in silico analysis. Since supporting evidence is limited at this time, the clinical significance of this alteration remains unclear.